The following is an entry in ClinVar:

NM_005559.4(LAMA1):c.4488T>C (p.Tyr1496=)

Gene: LAMA1 (laminin subunit alpha 1; minus strand). Cytogenetic location: 18p11.31.
Variant type: single nucleotide variant.
Coding change: c.4488T>C on transcript NM_005559.4 (MANE Select); coding-DNA position 4488, T replaced by C.
Protein change: p.Tyr1496=; no amino-acid change (tyrosine 1496 retained).
Molecular consequence: synonymous variant.
Genome position (GRCh38, 1-based): chr18:6,999,620, A>G on the plus strand (T>C on the coding strand, the complement: LAMA1 is on the minus strand). VCF-style: chr18-6999620-A-G. GRCh37 (hg19) VCF-style: chr18-6999619-A-G.
Identifiers: ClinVar variation 3772269 (VCV003772269.13).

ClinVar aggregate classification (germline): Likely benign (1 of 4 stars; one submission).

gnomAD v4.1: 1 of 1,612,810 alleles (0.000062%); highest among the groups gnomAD compares: Non-Finnish European, 0.000085%; no homozygotes.

Submission:

CeGaT Center for Human Genetics Tuebingen
Classification: Likely benign. Last evaluated: 2025-01-01. Review status: criteria provided, single submitter. Criteria: CeGaT Center For Human Genetics Tuebingen Variant Classification Criteria Version 2. Collection method: clinical testing. Allele origin: germline. Affected: yes. Observed: 1 variant allele.
Comment: LAMA1: BP4, BP7